The following is an entry in ClinVar:

NM_014244.5(ADAMTS2):c.2751-15G>A

Gene: ADAMTS2 (ADAM metallopeptidase with thrombospondin type 1 motif 2; minus strand). Cytogenetic location: 5q35.3.
Variant type: single nucleotide variant.
Coding change: c.2751-15G>A on transcript NM_014244.5 (MANE Select); 15 bases into the intron before coding-DNA position 2751, G replaced by A.
Molecular consequence: intron variant.
Genome position (GRCh38, 1-based): chr5:179,125,195, C>T on the plus strand (G>A on the coding strand, the complement: ADAMTS2 is on the minus strand). VCF-style: chr5-179125195-C-T. GRCh37 (hg19) VCF-style: chr5-178552196-C-T.
Identifiers: ClinVar variation 389952 (VCV000389952.13), dbSNP rs376602983, ClinGen allele CA3595421.

ClinVar aggregate classification (germline): Conflicting classifications of pathogenicity. Review status: criteria provided, conflicting classifications (1 of 4 stars). 4 submissions from 4 submitters: Uncertain significance (1); Likely benign (3). Last evaluated 2025-12-03.

Conditions:
Ehlers-Danlos syndrome, dermatosparaxis type. Also called: EDS VIIC; Dermatosparaxis; Ehlers-Danlos syndrome, type VII, autosomal recessive. Identifiers: Orphanet 1901, MedGen C2700425, MONDO:0009161, OMIM 225410.

Allele frequency attached by ClinVar (database versions not stated): gnomAD 0.00003 and 0.00004; TOPMed 0.00003; ExAC 0.00005; gnomAD exomes 0.00005; ESP Exome Variant Server 0.00015.
gnomAD v4.1: 251 of 1,610,746 alleles (0.016%); highest among the groups gnomAD compares: Non-Finnish European, 0.02%; no homozygotes.

Submissions (4):

Labcorp Genetics (formerly Invitae), Labcorp
Classification: Likely benign for Ehlers-Danlos syndrome, dermatosparaxis type. Last evaluated: 2025-12-03. Review status: criteria provided, single submitter. Criteria: Invitae Variant Classification Sherloc (09022015). Collection method: clinical testing. Allele origin: germline.

Women's Health and Genetics/Laboratory Corporation of America, LabCorp
Classification: Likely benign. Last evaluated: 2025-11-26. Review status: criteria provided, single submitter. Criteria: LabCorp Variant Classification Summary - May 2015. Collection method: clinical testing. Allele origin: germline.

Illumina Laboratory Services, Illumina
Classification: Uncertain significance for Ehlers-Danlos syndrome, dermatosparaxis type. Last evaluated: 2018-04-06. Review status: criteria provided, single submitter. Criteria: ICSL Variant Classification Criteria 13 December 2019. Collection method: clinical testing. Allele origin: germline.

GeneDx
Classification: Likely benign. Last evaluated: 2016-10-14. Review status: criteria provided, single submitter. Criteria: GeneDx Variant Classification (06012015). Collection method: clinical testing. Allele origin: germline. Affected: yes.
Comment: This variant is considered likely benign or benign based on one or more of the following criteria: it is a conservative change, it occurs at a poorly conserved position in the protein, it is predicted to be benign by multiple in silico algorithms, and/or has population frequency not consistent with disease.